The following is an entry in ClinVar:

NM_012092.4(ICOS):c.496A>G (p.Lys166Glu)

Gene: ICOS (inducible T cell costimulator; plus strand). Cytogenetic location: 2q33.2.
Variant type: single nucleotide variant.
Coding change: c.496A>G on transcript NM_012092.4 (MANE Select); coding-DNA position 496, A replaced by G.
Protein change: p.Lys166Glu; replaces lysine 166 with glutamic acid.
Molecular consequence: missense variant.
Genome position (GRCh38, 1-based): chr2:203,956,760, A>G. VCF-style: chr2-203956760-A-G. GRCh37 (hg19) VCF-style: chr2-204821483-A-G.
Other names: short protein forms K166E.
Identifiers: ClinVar variation 1374578 (VCV001374578.6), dbSNP rs1297706917, ClinGen allele CA350140549.

ClinVar aggregate classification (germline): Uncertain significance (1 of 4 stars; one submission).

Conditions:
Immunodeficiency, common variable, 1. Also called: ANTIBODY DEFICIENCY DUE TO ICOS DEFECT. Identifiers: Orphanet 1572, Orphanet 695183, MedGen C3149378, MONDO:0011864, OMIM 607594.

Allele frequency attached by ClinVar (database versions not stated): gnomAD 0.00001; TOPMed 0.00001.
gnomAD v4.1: 2 of 1,603,942 alleles (0.00012%); highest among the groups gnomAD compares: Non-Finnish European, 0.000085%; no homozygotes.

Submission:

Labcorp Genetics (formerly Invitae), Labcorp
Classification: Uncertain significance for Immunodeficiency, common variable, 1. Last evaluated: 2022-04-06. Review status: criteria provided, single submitter. Criteria: Invitae Variant Classification Sherloc (09022015). Collection method: clinical testing. Allele origin: germline.
Comment: In summary, the available evidence is currently insufficient to determine the role of this variant in disease. Therefore, it has been classified as a Variant of Uncertain Significance. Algorithms developed to predict the effect of sequence changes on RNA splicing suggest that this variant may create or strengthen a splice site. Algorithms developed to predict the effect of missense changes on protein structure and function are either unavailable or do not agree on the potential impact of this missense change (SIFT: "Tolerated"; PolyPhen-2: "Probably Damaging"; Align-GVGD: "Class C0"). This variant has not been reported in the literature in individuals affected with ICOS-related conditions. This variant is not present in population databases (gnomAD no frequency). This sequence change replaces lysine, which is basic and polar, with glutamic acid, which is acidic and polar, at codon 166 of the ICOS protein (p.Lys166Glu).